The following is an entry in ClinVar:

NM_016222.4(DDX41):c.631G>A (p.Gly211Ser)

Gene: DDX41 (DEAD-box helicase 41; minus strand). Cytogenetic location: 5q35.3.
Variant type: single nucleotide variant.
Coding change: c.631G>A on transcript NM_016222.4 (MANE Select); coding-DNA position 631, G replaced by A.
Protein change: p.Gly211Ser; replaces glycine 211 with serine.
Molecular consequence: missense variant.
Genome position (GRCh38, 1-based): chr5:177,515,199, C>T on the plus strand (G>A on the coding strand, the complement: DDX41 is on the minus strand). VCF-style: chr5-177515199-C-T. GRCh37 (hg19) VCF-style: chr5-176942200-C-T.
Other names: c.253G>A, p.Gly85Ser (NM_001321732.2, NM_001321830.2); short protein forms G211S, G85S.
Identifiers: ClinVar variation 4826047 (VCV004826047.1).

ClinVar aggregate classification (germline): Uncertain significance (1 of 4 stars; one submission).

Conditions:
Inborn genetic diseases. Identifiers: MedGen C0950123, MeSH D030342.

Submission:

Ambry Genetics
Classification: Uncertain significance for Inborn genetic diseases. Last evaluated: 2026-03-09. Review status: criteria provided, single submitter. Criteria: Ambry Variant Classification Scheme 2023. Collection method: clinical testing. Allele origin: germline.
Comment: The p.G211S variant (also known as c.631G>A), located in coding exon 7 of the DDX41 gene, results from a G to A substitution at nucleotide position 631. The glycine at codon 211 is replaced by serine, an amino acid with similar properties. This amino acid position is conserved. In addition, the in silico prediction for this alteration is inconclusive. Based on the available evidence, the clinical significance of this variant remains unclear.